The following is an entry in ClinVar:

ClinVar aggregate classification (germline): Uncertain significance (1 of 4 stars; one submission).

gnomAD v4.1: 1 of 1,609,228 alleles (0.000062%); highest among the groups gnomAD compares: South Asian, 0.0011%; no homozygotes.

Submission:

Labcorp Genetics (formerly Invitae), Labcorp
Classification: Uncertain significance. Last evaluated: 2024-03-09. Review status: criteria provided, single submitter. Criteria: Invitae Variant Classification Sherloc (09022015). Collection method: clinical testing. Allele origin: germline.
Comment: This sequence change replaces lysine, which is basic and polar, with glutamic acid, which is acidic and polar, at codon 139 of the IFT88 protein (p.Lys139Glu). This variant is present in population databases (rs767205880, gnomAD 0.003%). This variant has not been reported in the literature in individuals affected with IFT88-related conditions. An algorithm developed to predict the effect of missense changes on protein structure and function (PolyPhen-2) suggests that this variant is likely to be tolerated. In summary, the available evidence is currently insufficient to determine the role of this variant in disease. Therefore, it has been classified as a Variant of Uncertain Significance.

NM_006531.5(IFT88):c.388A>G (p.Lys130Glu)

Gene: IFT88 (intraflagellar transport 88; plus strand). Cytogenetic location: 13q12.11.
Variant type: single nucleotide variant.
Coding change: c.388A>G on transcript NM_006531.5 (MANE Select); coding-DNA position 388, A replaced by G.
Protein change: p.Lys130Glu; replaces lysine 130 with glutamic acid.
Molecular consequence: missense variant. On other transcripts: non-coding transcript variant (5), intron variant (1).
Genome position (GRCh38, 1-based): chr13:20,592,394, A>G. VCF-style: chr13-20592394-A-G. GRCh37 (hg19) VCF-style: chr13-21166533-A-G.
Other names: c.331A>G, p.Lys111Glu (NM_001353574.2, NM_001353575.2, NM_001353573.2 and 1 more transcripts); c.415A>G, p.Lys139Glu (NM_001353576.2, NM_001353577.2, NM_175605.5 and 6 more transcripts); c.388A>G, p.Lys130Glu (NM_001353578.2, NM_001353568.2, NM_001353571.2 and 1 more transcripts); c.-236+713A>G (NM_001353579.2); short protein forms K111E, K130E, K139E.
Identifiers: ClinVar variation 3630237 (VCV003630237.2).